The following is an entry in ClinVar:

NM_025179.4(PLXNA2):c.5534A>C (p.Asn1845Thr)

Gene: PLXNA2 (plexin A2; minus strand). Cytogenetic location: 1q32.2.
Variant type: single nucleotide variant.
Coding change: c.5534A>C on transcript NM_025179.4 (MANE Select); coding-DNA position 5534, A replaced by C.
Protein change: p.Asn1845Thr; replaces asparagine 1845 with threonine.
Molecular consequence: missense variant.
Genome position (GRCh38, 1-based): chr1:208,028,064, T>G on the plus strand (A>C on the coding strand, the complement: PLXNA2 is on the minus strand). VCF-style: chr1-208028064-T-G. GRCh37 (hg19) VCF-style: chr1-208201409-T-G.
Other names: c.5534A>C (NM_025179.3); short protein forms N1845T.
Identifiers: ClinVar variation 2045994 (VCV002045994.5), dbSNP rs1396033177, ClinGen allele CA344556079.

ClinVar aggregate classification (germline): Uncertain significance. Review status: criteria provided, multiple submitters, no conflicts (2 of 4 stars). 2 submissions from 2 submitters: Uncertain significance (2). Last evaluated 2025-10-31.

Conditions:
PLXNA2-related disorder. Also called: PLXNA2-related condition.

Allele frequency attached by ClinVar (database versions not stated): gnomAD 0.00001; gnomAD exomes 0.00001; TOPMed 0.00001.
gnomAD v4.1: 18 of 1,610,340 alleles (0.0011%); highest among the groups gnomAD compares: Non-Finnish European, 0.0014%; no homozygotes.

Submissions (2):

PreventionGenetics, part of Exact Sciences
Classification: Uncertain significance for PLXNA2-related condition. Last evaluated: 2025-10-31. Review status: criteria provided, single submitter. Criteria: ACMG Guidelines, 2015. Collection method: clinical testing. Allele origin: germline.
Comment: The PLXNA2 c.5534A>C variant is predicted to result in the amino acid substitution p.Asn1845Thr. To our knowledge, this variant has not been reported in the literature. This variant is reported in 0.0023% of alleles in individuals of European (Non-Finnish) descent in gnomAD. At this time, the clinical significance of this variant is uncertain due to the absence of conclusive functional and genetic evidence.

Labcorp Genetics (formerly Invitae), Labcorp
Classification: Uncertain significance. Last evaluated: 2023-03-27. Review status: criteria provided, single submitter. Criteria: Invitae Variant Classification Sherloc (09022015). Collection method: clinical testing. Allele origin: germline.
Comment: In summary, the available evidence is currently insufficient to determine the role of this variant in disease. Therefore, it has been classified as a Variant of Uncertain Significance. Advanced modeling of protein sequence and biophysical properties (such as structural, functional, and spatial information, amino acid conservation, physicochemical variation, residue mobility, and thermodynamic stability) performed at Invitae indicates that this missense variant is not expected to disrupt PLXNA2 protein function. ClinVar contains an entry for this variant (Variation ID: 2045994). This variant has not been reported in the literature in individuals affected with PLXNA2-related conditions. This variant is present in population databases (no rsID available, gnomAD 0.002%). This sequence change replaces asparagine, which is neutral and polar, with threonine, which is neutral and polar, at codon 1845 of the PLXNA2 protein (p.Asn1845Thr).